The following is an entry in ClinVar:

NM_001164508.2(NEB):c.16780G>A (p.Val5594Ile)

Gene: NEB (nebulin; minus strand). Cytogenetic location: 2q23.3.
Variant type: single nucleotide variant.
Coding change: c.16780G>A on transcript NM_001164508.2 (MANE Select); coding-DNA position 16780, G replaced by A.
Protein change: p.Val5594Ile; replaces valine 5594 with isoleucine.
Molecular consequence: missense variant.
Genome position (GRCh38, 1-based): chr2:151,576,279, C>T on the plus strand (G>A on the coding strand, the complement: NEB is on the minus strand). VCF-style: chr2-151576279-C-T. GRCh37 (hg19) VCF-style: chr2-152432793-C-T.
Other names: c.16780G>A, p.Val5594Ile (NM_001164507.2, NM_001271208.2); c.11677G>A, p.Val3893Ile (NM_004543.5); short protein forms V3893I, V5594I.
Identifiers: ClinVar variation 2160066 (VCV002160066.4), dbSNP rs2552199748, ClinGen allele CA348810735.
Genomic context (GRCh38, chr2:151,576,279, plus strand): 5'-TAAGGTTCACCACAGGCGTCCGATAGACACTGTCACAAAAGATATTCTGGGCGTTTTTGA[C>T]TCTCAACACTTCAGGAGACCCTTGGGGCATCCAGCCAATGCCACGCAACCACTCCAAGTC-3'
Protein context (NP_001157980.2, residues 5584-5604): MPQGSPEVLR[Val5594Ile]KNAQNIFCDS

ClinVar aggregate classification (germline): Uncertain significance (1 of 4 stars; one submission).

Conditions:
Nemaline myopathy 2 (NEM2). Also called: Nemaline myopathy 2, autosomal recessive. Identifiers: MedGen C1850569, MONDO:0009725, OMIM 256030.

Submission:

Labcorp Genetics (formerly Invitae), Labcorp
Classification: Uncertain significance for Nemaline myopathy 2. Last evaluated: 2022-08-14. Review status: criteria provided, single submitter. Criteria: Invitae Variant Classification Sherloc (09022015). Collection method: clinical testing. Allele origin: germline.
Comment: Algorithms developed to predict the effect of missense changes on protein structure and function are either unavailable or do not agree on the potential impact of this missense change (SIFT: "Deleterious"; PolyPhen-2: "Not Available"; Align-GVGD: "Class C0"). This sequence change replaces valine, which is neutral and non-polar, with isoleucine, which is neutral and non-polar, at codon 5594 of the NEB protein (p.Val5594Ile). This variant is not present in population databases (gnomAD no frequency). This variant has not been reported in the literature in individuals affected with NEB-related conditions. In summary, the available evidence is currently insufficient to determine the role of this variant in disease. Therefore, it has been classified as a Variant of Uncertain Significance.